The following is an entry in ClinVar:

ClinVar aggregate classification (germline): Uncertain significance (1 of 4 stars; one submission).

Submission:

Labcorp Genetics (formerly Invitae), Labcorp
Classification: Uncertain significance. Last evaluated: 2024-07-02. Review status: criteria provided, single submitter. Criteria: Invitae Variant Classification Sherloc (09022015). Collection method: clinical testing. Allele origin: germline.
Comment: This sequence change replaces tryptophan, which is neutral and slightly polar, with cysteine, which is neutral and slightly polar, at codon 318 of the KLF1 protein (p.Trp318Cys). This variant is not present in population databases (gnomAD no frequency). This missense change has been observed in individual(s) with Inhibitor of Lutheran phenotype (PMID: 30222867). Advanced modeling of protein sequence and biophysical properties (such as structural, functional, and spatial information, amino acid conservation, physicochemical variation, residue mobility, and thermodynamic stability) performed at Invitae indicates that this missense variant is expected to disrupt KLF1 protein function with a positive predictive value of 80%. In summary, the available evidence is currently insufficient to determine the role of this variant in disease. Therefore, it has been classified as a Variant of Uncertain Significance.

Literature cited by the submitters: PubMed 30222867.

NM_006563.5(KLF1):c.954G>T (p.Trp318Cys)

Genes: KLF1 (KLF transcription factor 1; minus strand), LOC117125591 (CRISPRi-FlowFISH-validated PRDX2 and RAD23A regulatory element; plus strand). Cytogenetic location: 19p13.13.
Variant type: single nucleotide variant.
Coding change: c.954G>T on transcript NM_006563.5 (MANE Select); coding-DNA position 954, G replaced by T.
Protein change: p.Trp318Cys; replaces tryptophan 318 with cysteine.
Molecular consequence: missense variant.
Genome position (GRCh38, 1-based): chr19:12,885,020, C>A on the plus strand (G>T on the coding strand, the complement: KLF1 is on the minus strand). VCF-style: chr19-12885020-C-A. GRCh37 (hg19) VCF-style: chr19-12995834-C-A.
Other names: short protein forms W318C.
Identifiers: ClinVar variation 3614440 (VCV003614440.2).